The following is an entry in ClinVar:

NM_005529.7(HSPG2):c.11471G>A (p.Arg3824His)

Gene: HSPG2 (heparan sulfate proteoglycan 2; minus strand). Cytogenetic location: 1p36.12.
Variant type: single nucleotide variant.
Coding change: c.11471G>A on transcript NM_005529.7 (MANE Select); coding-DNA position 11471, G replaced by A.
Protein change: p.Arg3824His; replaces arginine 3824 with histidine.
Molecular consequence: missense variant.
Genome position (GRCh38, 1-based): chr1:21,831,306, C>T on the plus strand (G>A on the coding strand, the complement: HSPG2 is on the minus strand). VCF-style: chr1-21831306-C-T. GRCh37 (hg19) VCF-style: chr1-22157799-C-T.
Other names: c.11474G>A, p.Arg3825His (NM_001291860.2); short protein forms R3824H, R3825H.
Identifiers: ClinVar variation 3383444 (VCV003383444.2).

ClinVar aggregate classification (germline): Uncertain significance. Review status: criteria provided, multiple submitters, no conflicts (2 of 4 stars). 2 submissions from 2 submitters: Uncertain significance (2). Last evaluated 2025-01-24.

Conditions:
Inborn genetic diseases. Identifiers: MedGen C0950123, MeSH D030342.

gnomAD v4.1: 34 of 1,613,874 alleles (0.0021%); highest among the groups gnomAD compares: South Asian, 0.014%; no homozygotes.

Submissions (2):

Ambry Genetics
Classification: Uncertain significance for Inborn genetic diseases. Last evaluated: 2025-01-24. Review status: criteria provided, single submitter. Criteria: Ambry Variant Classification Scheme 2023. Collection method: clinical testing. Allele origin: germline.

GeneDx
Classification: Uncertain significance. Last evaluated: 2024-05-23. Review status: criteria provided, single submitter. Criteria: GeneDx Variant Classification Process June 2021. Collection method: clinical testing. Allele origin: germline. Affected: yes.
Comment: In silico analysis indicates that this missense variant does not alter protein structure/function; Has not been previously published as pathogenic or benign to our knowledge